The following is an entry in ClinVar:

ClinVar aggregate classification (germline): Likely pathogenic (1 of 4 stars; one submission).

Submission:

GeneDx
Classification: Likely pathogenic. Last evaluated: 2023-08-31. Review status: criteria provided, single submitter. Criteria: GeneDx Variant Classification Process June 2021. Collection method: clinical testing. Allele origin: germline. Affected: yes.
Comment: Nonsense variant predicted to result in protein truncation or nonsense mediated decay in a gene for which loss of function is a known mechanism of disease; Not observed at significant frequency in large population cohorts (gnomAD); Reported in a patient with amelogenesis imperfecta without additional clinical or segregation information (Hart et al., 2002); This variant is associated with the following publications: (PMID: 25525159, 11922868)

NM_001142.2(AMELX):c.11G>A (p.Trp4Ter)

Genes: AMELX (amelogenin X-linked; plus strand), ARHGAP6 (Rho GTPase activating protein 6; minus strand). Cytogenetic location: Xp22.2.
Variant type: single nucleotide variant.
Coding change: c.11G>A on transcript NM_001142.2 (MANE Select); coding-DNA position 11, G replaced by A.
Protein change: p.Trp4Ter; replaces tryptophan 4 with a stop codon.
Molecular consequence: nonsense. On other transcripts: intron variant (3).
Genome position (GRCh38, 1-based): chrX:11,294,799, G>A. VCF-style: chrX-11294799-G-A. GRCh37 (hg19) VCF-style: chrX-11312919-G-A.
Other names: c.11G>A, p.Trp4Ter (NM_182680.1, NM_182681.1); c.589-40092C>T (NM_013427.3, NM_006125.3); c.49-40092C>T (NM_001287242.2); short protein forms W4*.
Identifiers: ClinVar variation 3340173 (VCV003340173.1).